The following is an entry in ClinVar:

ClinVar aggregate classification (germline): Likely benign (1 of 4 stars; one submission).

Submission:

CeGaT Center for Human Genetics Tuebingen
Classification: Likely benign. Last evaluated: 2025-10-01. Review status: criteria provided, single submitter. Criteria: CeGaT Center For Human Genetics Tuebingen Variant Classification Criteria Version 2. Collection method: clinical testing. Allele origin: germline. Affected: yes. Observed: 1 variant allele.
Comment: MUC4: BP4, BP7

NM_018406.7(MUC4):c.3207C>T (p.His1069=)

Gene: MUC4 (mucin 4, cell surface associated). Cytogenetic location: 3q29.
Variant type: single nucleotide variant.
Coding change: c.3207C>T on transcript NM_018406.7 (MANE Select); coding-DNA position 3207, C replaced by T.
Protein change: p.His1069=; no amino-acid change (histidine 1069 retained).
Molecular consequence: synonymous variant. On other transcripts: intron variant (2).
Genome position (GRCh38, 1-based): chr3:195,788,373, G>A on the plus strand (C>T on the coding strand, the complement: MUC4 is on the minus strand). VCF-style: chr3-195788373-G-A. GRCh37 (hg19) VCF-style: chr3-195515244-G-A.
Other names: c.83-14068C>T (NM_138297.5); c.83-9918C>T (NM_004532.6).
Identifiers: ClinVar variation 4533516 (VCV004533516.6).
Genomic context (GRCh38, chr3:195,788,373, plus strand): 5'-AAGAGGGGTGGTGTCACCTGTGGATGCTGAGGAAAGGCTGGTGACAGGAAGAGGGGTGAC[G>A]TGACCTGTGGATGCTGAGGAAGTGTCAGTGACAGGAAGAGGGGTGCTGTCACCTGTGGAT-3'
Protein context (NP_060876.5, residues 1059-1079): VTDTSSASTG[His1069=]VTPLPVTSLS